The following is an entry in ClinVar:

ClinVar aggregate classification (germline): Uncertain significance. Review status: criteria provided, multiple submitters, no conflicts (2 of 4 stars). 2 submissions from 2 submitters: Uncertain significance (2). Last evaluated 2022-10-20.

Allele frequency attached by ClinVar (database versions not stated): gnomAD 0.00001; gnomAD exomes 0.00001.
gnomAD v4.1: 5 of 1,614,004 alleles (0.00031%); no homozygotes.

Submissions (2):

Blueprint Genetics
Classification: Uncertain significance. Last evaluated: 2022-10-20. Review status: criteria provided, single submitter. Criteria: ACMG Guidelines, 2015. Collection method: clinical testing. Allele origin: germline.

Labcorp Genetics (formerly Invitae), Labcorp
Classification: Uncertain significance. Last evaluated: 2022-02-23. Review status: criteria provided, single submitter. Criteria: Invitae Variant Classification Sherloc (09022015). Collection method: clinical testing. Allele origin: germline.
Comment: Algorithms developed to predict the effect of missense changes on protein structure and function are either unavailable or do not agree on the potential impact of this missense change (SIFT: "Deleterious"; PolyPhen-2: "Probably Damaging"; Align-GVGD: "Class C0"). In summary, the available evidence is currently insufficient to determine the role of this variant in disease. Therefore, it has been classified as a Variant of Uncertain Significance. This variant has not been reported in the literature in individuals affected with PLCE1-related conditions. This sequence change replaces leucine, which is neutral and non-polar, with proline, which is neutral and non-polar, at codon 1333 of the PLCE1 protein (p.Leu1333Pro). The frequency data for this variant in the population databases is considered unreliable, as metrics indicate poor data quality at this position in the gnomAD database.

NM_016341.4(PLCE1):c.3998T>C (p.Leu1333Pro)

Gene: PLCE1 (phospholipase C epsilon 1; plus strand). Cytogenetic location: 10q23.33.
Variant type: single nucleotide variant.
Coding change: c.3998T>C on transcript NM_016341.4 (MANE Select); coding-DNA position 3998, T replaced by C.
Protein change: p.Leu1333Pro; replaces leucine 1333 with proline.
Molecular consequence: missense variant.
Genome position (GRCh38, 1-based): chr10:94,262,677, T>C. VCF-style: chr10-94262677-T-C. GRCh37 (hg19) VCF-style: chr10-96022434-T-C.
Other names: c.3074T>C, p.Leu1025Pro (NM_001165979.2); c.3950T>C, p.Leu1317Pro (NM_001288989.2); short protein forms L1025P, L1317P, L1333P.
Identifiers: ClinVar variation 2102621 (VCV002102621.5), dbSNP rs1200839708, ClinGen allele CA377645851.